The following is an entry in ClinVar:

NM_001909.5(CTSD):c.550A>T (p.Lys184Ter)

Gene: CTSD (cathepsin D; minus strand). Cytogenetic location: 11p15.5.
Variant type: single nucleotide variant.
Coding change: c.550A>T on transcript NM_001909.5 (MANE Select); coding-DNA position 550, A replaced by T.
Protein change: p.Lys184Ter; replaces lysine 184 with a stop codon.
Molecular consequence: nonsense.
Genome position (GRCh38, 1-based): chr11:1,757,478, T>A on the plus strand (A>T on the coding strand, the complement: CTSD is on the minus strand). VCF-style: chr11-1757478-T-A. GRCh37 (hg19) VCF-style: chr11-1778708-T-A.
Other names: short protein forms K184*.
Identifiers: ClinVar variation 2103629 (VCV002103629.4), dbSNP rs2493823652, ClinGen allele CA379096151.

ClinVar aggregate classification (germline): Pathogenic (1 of 4 stars; one submission).

Conditions:
Neuronal ceroid lipofuscinosis. Also called: Neuronal Ceroid Lipofuscinoses. Identifiers: Orphanet 216, Orphanet 79263, MedGen C0027877, MONDO:0016295. Disease mechanism: loss of function.

Submission:

Labcorp Genetics (formerly Invitae), Labcorp
Classification: Pathogenic for Neuronal ceroid lipofuscinosis. Last evaluated: 2022-05-11. Review status: criteria provided, single submitter. Criteria: Invitae Variant Classification Sherloc (09022015). Collection method: clinical testing. Allele origin: germline.
Comment: For these reasons, this variant has been classified as Pathogenic. This variant has not been reported in the literature in individuals affected with CTSD-related conditions. This variant is not present in population databases (gnomAD no frequency). This sequence change creates a premature translational stop signal (p.Lys184*) in the CTSD gene. It is expected to result in an absent or disrupted protein product. Loss-of-function variants in CTSD are known to be pathogenic (PMID: 16670177, 26059544).

Literature cited by the submitters: PubMed 16670177; PubMed 26059544.